The following is an entry in ClinVar:

ClinVar aggregate classification (germline): Uncertain significance (1 of 4 stars; one submission).

Submission:

Ambry Genetics
Classification: Uncertain significance. Last evaluated: 2023-06-21. Review status: criteria provided, single submitter. Criteria: Ambry Variant Classification Scheme 2023. Collection method: clinical testing. Allele origin: germline.
Comment: The p.A2468T variant (also known as c.7402G>A), located in coding exon 28 of the POLQ gene, results from a G to A substitution at nucleotide position 7402. The alanine at codon 2468 is replaced by threonine, an amino acid with similar properties. This amino acid position is conserved. In addition, this alteration is predicted to be deleterious by in silico analysis. Since supporting evidence is limited at this time, the clinical significance of this alteration remains unclear.

NM_199420.4(POLQ):c.7402G>A (p.Ala2468Thr)

Gene: POLQ (DNA polymerase theta; minus strand). Cytogenetic location: 3q13.33.
Variant type: single nucleotide variant.
Coding change: c.7402G>A on transcript NM_199420.4 (MANE Select); coding-DNA position 7402, G replaced by A.
Protein change: p.Ala2468Thr; replaces alanine 2468 with threonine.
Molecular consequence: missense variant.
Genome position (GRCh38, 1-based): chr3:121,436,263, C>T on the plus strand (G>A on the coding strand, the complement: POLQ is on the minus strand). VCF-style: chr3-121436263-C-T. GRCh37 (hg19) VCF-style: chr3-121155110-C-T.
Other names: short protein forms A2468T.
Identifiers: ClinVar variation 2625804 (VCV002625804.2), dbSNP rs2546747458, ClinGen allele CA354096252.